The following is an entry in ClinVar:

ClinVar aggregate classification (germline): Uncertain significance (1 of 4 stars; one submission).

gnomAD v4.1: 1 of 1,613,958 alleles (0.000062%); highest among the groups gnomAD compares: Non-Finnish European, 0.000085%; no homozygotes.

Submission:

Labcorp Genetics (formerly Invitae), Labcorp
Classification: Uncertain significance. Last evaluated: 2025-12-09. Review status: criteria provided, single submitter. Criteria: Invitae Variant Classification Sherloc (09022015). Collection method: clinical testing. Allele origin: germline.
Comment: This sequence change replaces glutamine, which is neutral and polar, with arginine, which is basic and polar, at codon 1004 of the FN1 protein (p.Gln1004Arg). This variant is not present in population databases (gnomAD no frequency). This variant has not been reported in the literature in individuals affected with FN1-related conditions. An algorithm developed to predict the effect of missense changes on protein structure and function outputs the following: PolyPhen-2: "Benign". The arginine amino acid residue is found in multiple mammalian species, which suggests that this missense change does not adversely affect protein function. In summary, the available evidence is currently insufficient to determine the role of this variant in disease. Therefore, it has been classified as a Variant of Uncertain Significance.

NM_212482.4(FN1):c.3011A>G (p.Gln1004Arg)

Gene: FN1 (fibronectin 1; minus strand). Cytogenetic location: 2q35.
Variant type: single nucleotide variant.
Coding change: c.3011A>G on transcript NM_212482.4 (MANE Select); coding-DNA position 3011, A replaced by G.
Protein change: p.Gln1004Arg; replaces glutamine 1004 with arginine.
Molecular consequence: missense variant.
Genome position (GRCh38, 1-based): chr2:215,404,631, T>C on the plus strand (A>G on the coding strand, the complement: FN1 is on the minus strand). VCF-style: chr2-215404631-T-C. GRCh37 (hg19) VCF-style: chr2-216269354-T-C.
Other names: c.3011A>G, p.Gln1004Arg (NM_001306129.2, NM_001365523.2, NM_001365524.2 and 13 more transcripts); short protein forms Q1004R.
Identifiers: ClinVar variation 4776541 (VCV004776541.1).